The following is an entry in ClinVar:

NM_031407.7(HUWE1):c.6533C>G (p.Ala2178Gly)

Gene: HUWE1 (HECT, UBA and WWE domain containing E3 ubiquitin protein ligase 1; minus strand). Cytogenetic location: Xp11.22.
Variant type: single nucleotide variant.
Coding change: c.6533C>G on transcript NM_031407.7 (MANE Select); coding-DNA position 6533, C replaced by G.
Protein change: p.Ala2178Gly; replaces alanine 2178 with glycine.
Molecular consequence: missense variant.
Genome position (GRCh38, 1-based): chrX:53,568,866, G>C on the plus strand (C>G on the coding strand, the complement: HUWE1 is on the minus strand). VCF-style: chrX-53568866-G-C. GRCh37 (hg19) VCF-style: chrX-53595826-G-C.
Other names: short protein forms A2178G.
Identifiers: ClinVar variation 2579462 (VCV002579462.1), dbSNP rs2524428704, ClinGen allele CA413164272.

ClinVar aggregate classification (germline): Uncertain significance (1 of 4 stars; one submission).

Submission:

GeneDx
Classification: Uncertain significance. Last evaluated: 2023-03-08. Review status: criteria provided, single submitter. Criteria: GeneDx Variant Classification Process June 2021. Collection method: clinical testing. Allele origin: germline. Affected: yes.
Comment: Not observed at significant frequency in large population cohorts (gnomAD); In silico analysis supports that this missense variant has a deleterious effect on protein structure/function; Has not been previously published as pathogenic or benign to our knowledge